The following is an entry in ClinVar:

ClinVar aggregate classification (germline): Uncertain significance (1 of 4 stars; one submission).

Allele frequency attached by ClinVar (database versions not stated): TOPMed 0.00001; ExAC 0.00001; gnomAD 0.00001; gnomAD exomes 0.00001.
gnomAD v4.1: 10 of 1,614,098 alleles (0.00062%); highest among the groups gnomAD compares: African/African-American, 0.0013%; no homozygotes.

Submission:

Labcorp Genetics (formerly Invitae), Labcorp
Classification: Uncertain significance. Last evaluated: 2021-11-26. Review status: criteria provided, single submitter. Criteria: Invitae Variant Classification Sherloc (09022015). Collection method: clinical testing. Allele origin: germline.
Comment: This sequence change replaces arginine, which is basic and polar, with glutamine, which is neutral and polar, at codon 223 of the EXTL3 protein (p.Arg223Gln). This variant is present in population databases (rs770418802, gnomAD 0.004%). This variant has not been reported in the literature in individuals affected with EXTL3-related conditions. Algorithms developed to predict the effect of missense changes on protein structure and function (SIFT, PolyPhen-2, Align-GVGD) all suggest that this variant is likely to be tolerated. In summary, the available evidence is currently insufficient to determine the role of this variant in disease. Therefore, it has been classified as a Variant of Uncertain Significance.

NM_001440.4(EXTL3):c.668G>A (p.Arg223Gln)

Gene: EXTL3 (exostosin like glycosyltransferase 3; plus strand). Cytogenetic location: 8p21.1.
Variant type: single nucleotide variant.
Coding change: c.668G>A on transcript NM_001440.4 (MANE Select); coding-DNA position 668, G replaced by A.
Protein change: p.Arg223Gln; replaces arginine 223 with glutamine.
Molecular consequence: missense variant.
Genome position (GRCh38, 1-based): chr8:28,716,727, G>A. VCF-style: chr8-28716727-G-A. GRCh37 (hg19) VCF-style: chr8-28574244-G-A.
Other names: short protein forms R223Q.
Identifiers: ClinVar variation 1448631 (VCV001448631.3), dbSNP rs770418802, ClinGen allele CA4696040.